The following is an entry in ClinVar:

ClinVar aggregate classification (germline): Benign/Likely benign. Review status: criteria provided, multiple submitters, no conflicts (2 of 4 stars). 6 submissions from 6 submitters: Benign (1); Likely benign (5). Last evaluated 2026-06-01.

Conditions:
Retinal dystrophy. Also called: Inherited retinal dystrophy. Identifiers: Orphanet 71862, MedGen C0854723, MeSH D058499, MONDO:0019118, HP:0000556.

Allele frequency attached by ClinVar (database versions not stated): gnomAD 0.00014 and 0.00015; 1000 Genomes Project 0.00020; ESP Exome Variant Server 0.00023; TOPMed 0.00025; 1000 Genomes Project 30x 0.00031; ExAC 0.00034; gnomAD exomes 0.00037.
gnomAD v4.1: 179 of 1,613,768 alleles (0.011%); highest among the groups gnomAD compares: Admixed American, 0.16%; 1 homozygote.

Submissions (6):

CeGaT Center for Human Genetics Tuebingen
Classification: Likely benign. Last evaluated: 2026-06-01. Review status: criteria provided, single submitter. Criteria: CeGaT Center For Human Genetics Tuebingen Variant Classification Criteria Version 2. Collection method: clinical testing. Allele origin: germline. Affected: yes. Observed: 2 variant alleles.
Comment: USH2A: BP4, BP7

Labcorp Genetics (formerly Invitae), Labcorp
Classification: Benign. Last evaluated: 2026-02-04. Review status: criteria provided, single submitter. Criteria: Invitae Variant Classification Sherloc (09022015). Collection method: clinical testing. Allele origin: germline.

Blueprint Genetics
Classification: Likely benign. Last evaluated: 2024-11-18. Review status: criteria provided, single submitter. Criteria: ACMG Guidelines, 2015. Collection method: clinical testing. Allele origin: germline.

Dept Of Ophthalmology, Nagoya University
Classification: Likely benign for Retinal dystrophy. Last evaluated: 2023-10-01. Review status: criteria provided, single submitter. Criteria: Submitter's publication. Collection method: research. Allele origin: germline. Affected: yes.

GeneDx
Classification: Likely benign. Last evaluated: 2019-08-01. Review status: criteria provided, single submitter. Criteria: GeneDx Variant Classification Process June 2021. Collection method: clinical testing. Allele origin: germline. Affected: yes.

Laboratory for Molecular Medicine, Mass General Brigham Personalized Medicine
Classification: Likely benign. Last evaluated: 2012-04-30. Review status: criteria provided, single submitter. Criteria: LMM Criteria. Collection method: clinical testing. Allele origin: germline. Observed: 2 variant alleles.
Comment: Cys527Cys in Exon 09 of USH2A: This variant is not expected to have clinical sig nificance because it does not alter an amino acid residue, is not located within the splice consensus sequence, and has been identified in 1/3738 African Americ an chromosomes from a broad population by the NHLBI Exome Sequencing Project (dbSNP rs140331348).

NM_206933.4(USH2A):c.1581C>T (p.Cys527=)

Gene: USH2A (usherin; minus strand). Cytogenetic location: 1q41.
Variant type: single nucleotide variant.
Coding change: c.1581C>T on transcript NM_206933.4 (MANE Select); coding-DNA position 1581, C replaced by T.
Protein change: p.Cys527=; no amino-acid change (cysteine 527 retained).
Molecular consequence: synonymous variant.
Genome position (GRCh38, 1-based): chr1:216,321,946, G>A on the plus strand (C>T on the coding strand, the complement: USH2A is on the minus strand). VCF-style: chr1-216321946-G-A. GRCh37 (hg19) VCF-style: chr1-216495288-G-A.
Other names: c.1581C>T, p.Cys527= (NM_007123.6).
Identifiers: ClinVar variation 166527 (VCV000166527.60), dbSNP rs140331348, ClinGen allele CA179590.